The following is an entry in ClinVar:

NM_033026.6(PCLO):c.94C>T (p.Pro32Ser)

Gene: PCLO (piccolo presynaptic cytomatrix protein; minus strand). Cytogenetic location: 7q21.11.
Variant type: single nucleotide variant.
Coding change: c.94C>T on transcript NM_033026.6 (MANE Select); coding-DNA position 94, C replaced by T.
Protein change: p.Pro32Ser; replaces proline 32 with serine.
Molecular consequence: missense variant.
Genome position (GRCh38, 1-based): chr7:83,162,499, G>A on the plus strand (C>T on the coding strand, the complement: PCLO is on the minus strand). VCF-style: chr7-83162499-G-A. GRCh37 (hg19) VCF-style: chr7-82791815-G-A.
Other names: c.94C>T, p.Pro32Ser (NM_014510.3); short protein forms P32S.
Identifiers: ClinVar variation 2016489 (VCV002016489.4), dbSNP rs2484927399, ClinGen allele CA367922468.

ClinVar aggregate classification (germline): Uncertain significance (1 of 4 stars; one submission).

Submission:

Labcorp Genetics (formerly Invitae), Labcorp
Classification: Uncertain significance. Last evaluated: 2024-10-16. Review status: criteria provided, single submitter. Criteria: Invitae Variant Classification Sherloc (09022015). Collection method: clinical testing. Allele origin: germline.
Comment: This sequence change replaces proline, which is neutral and non-polar, with serine, which is neutral and polar, at codon 32 of the PCLO protein (p.Pro32Ser). This variant is not present in population databases (gnomAD no frequency). This variant has not been reported in the literature in individuals affected with PCLO-related conditions. ClinVar contains an entry for this variant (Variation ID: 2016489). An algorithm developed to predict the effect of missense changes on protein structure and function outputs the following: PolyPhen-2: "Not Available". The serine amino acid residue is found in multiple mammalian species, which suggests that this missense change does not adversely affect protein function. In summary, the available evidence is currently insufficient to determine the role of this variant in disease. Therefore, it has been classified as a Variant of Uncertain Significance.